The following is an entry in ClinVar:

ClinVar aggregate classification (germline): Conflicting classifications of pathogenicity. Review status: criteria provided, conflicting classifications (1 of 4 stars). 2 submissions from 2 submitters: Uncertain significance (1); Benign (1). Last evaluated 2026-01-03.

Allele frequency attached by ClinVar (database versions not stated): ESP Exome Variant Server 0.00031; gnomAD exomes 0.00038 and 0.00020; gnomAD 0.00028 and 0.00027; ExAC 0.00031; TOPMed 0.00028.
gnomAD v4.1: 359 of 1,592,662 alleles (0.023%); highest among the groups gnomAD compares: Admixed American, 0.031%; no homozygotes.

Submissions (2):

GeneDx
Classification: Uncertain significance. Last evaluated: 2026-01-03. Review status: criteria provided, single submitter. Criteria: GeneDx Variant Classification Process June 2021. Collection method: clinical testing. Allele origin: germline.
Comment: Has not been previously published as pathogenic or benign to our knowledge; In silico analysis supports that this missense variant has a deleterious effect on protein structure/function; This variant is associated with the following publications: (PMID: 26736064)

Labcorp Genetics (formerly Invitae), Labcorp
Classification: Benign. Last evaluated: 2025-02-17. Review status: criteria provided, single submitter. Criteria: Invitae Variant Classification Sherloc (09022015). Collection method: clinical testing. Allele origin: germline.

NM_002887.4(RARS1):c.776A>G (p.Tyr259Cys)

Gene: RARS1 (arginyl-tRNA synthetase 1; plus strand). Cytogenetic location: 5q34.
Variant type: single nucleotide variant.
Coding change: c.776A>G on transcript NM_002887.4 (MANE Select); coding-DNA position 776, A replaced by G.
Protein change: p.Tyr259Cys; replaces tyrosine 259 with cysteine.
Molecular consequence: missense variant.
Genome position (GRCh38, 1-based): chr5:168,497,302, A>G. VCF-style: chr5-168497302-A-G. GRCh37 (hg19) VCF-style: chr5-167924307-A-G.
Other names: c.776A>G (NM_002887.3); short protein forms Y259C.
Identifiers: ClinVar variation 1167031 (VCV001167031.11), dbSNP rs151300636, ClinGen allele CA3549716.
Genomic context (GRCh38, chr5:168,497,302, plus strand): 5'-GAGACTGGGGGACCCAGTTTGGCATGCTCATCGCTCACCTGCAAGACAAATTTCCAGATT[A>G]TCTAACAGTTTCACCTCCTATTGGGGATCTTCAGGTCTTTTATAAGGTTTGATACCATTT-3'
Protein context (NP_002878.2, residues 249-269): IAHLQDKFPD[Tyr259Cys]LTVSPPIGDL